The following is an entry in ClinVar:

NM_002439.5(MSH3):c.974T>A (p.Leu325His)

Genes: MSH3 (mutS homolog 3; plus strand), LOC126807437 (MED14-independent group 3 enhancer GRCh37_chr5:79968379-79969578; plus strand). Cytogenetic location: 5q14.1.
Variant type: single nucleotide variant.
Coding change: c.974T>A on transcript NM_002439.5 (MANE Select); coding-DNA position 974, T replaced by A.
Protein change: p.Leu325His; replaces leucine 325 with histidine.
Molecular consequence: missense variant.
Genome position (GRCh38, 1-based): chr5:80,672,805, T>A. VCF-style: chr5-80672805-T-A. GRCh37 (hg19) VCF-style: chr5-79968624-T-A.
Other names: short protein forms L325H.
Identifiers: ClinVar variation 1465958 (VCV001465958.8), dbSNP rs1247160847, ClinGen allele CA360267454.

ClinVar aggregate classification (germline): Uncertain significance (1 of 4 stars; one submission).

Submission:

Labcorp Genetics (formerly Invitae), Labcorp
Classification: Uncertain significance. Last evaluated: 2021-07-06. Review status: criteria provided, single submitter. Criteria: Invitae Variant Classification Sherloc (09022015). Collection method: clinical testing. Allele origin: germline.
Comment: In summary, the available evidence is currently insufficient to determine the role of this variant in disease. Therefore, it has been classified as a Variant of Uncertain Significance. Algorithms developed to predict the effect of missense changes on protein structure and function (SIFT, PolyPhen-2, Align-GVGD) all suggest that this variant is likely to be disruptive. This variant has not been reported in the literature in individuals affected with MSH3-related conditions. This variant is not present in population databases (ExAC no frequency). This sequence change replaces leucine with histidine at codon 325 of the MSH3 protein (p.Leu325His). The leucine residue is moderately conserved and there is a moderate physicochemical difference between leucine and histidine.